The following is an entry in ClinVar:

ClinVar aggregate classification (germline): Uncertain significance (1 of 4 stars; one submission).

Conditions:
Neuropathy, hereditary sensory and autonomic, type 2A (HSAN2A). Also called: HSAN IIA; WNK1-Related HSAN2 (HSAN2A); ACROOSTEOLYSIS, GIACCAI TYPE; ACROOSTEOLYSIS, NEUROGENIC; MORVAN DISEASE; NEUROPATHY, CONGENITAL SENSORY. Identifiers: Orphanet 970, MedGen C2752089, MONDO:0024309, OMIM 201300.
Pseudohypoaldosteronism type 2C (PHA2C). Also called: Pseudohypoaldosteronism Type IIC. Identifiers: Orphanet 757, Orphanet 88940, MedGen C1840391, MONDO:0013778, OMIM 614492.

Allele frequency attached by ClinVar (database versions not stated): TOPMed below 0.00001; ExAC 0.00001.

Submission:

Labcorp Genetics (formerly Invitae), Labcorp
Classification: Uncertain significance for Neuropathy, hereditary sensory and autonomic, type 2A; Pseudohypoaldosteronism type 2C. Last evaluated: 2023-07-14. Review status: criteria provided, single submitter. Criteria: Invitae Variant Classification Sherloc (09022015). Collection method: clinical testing. Allele origin: germline.
Comment: In summary, the available evidence is currently insufficient to determine the role of this variant in disease. Therefore, it has been classified as a Variant of Uncertain Significance. Advanced modeling of protein sequence and biophysical properties (such as structural, functional, and spatial information, amino acid conservation, physicochemical variation, residue mobility, and thermodynamic stability) performed at Invitae indicates that this missense variant is not expected to disrupt WNK1 protein function. This variant has not been reported in the literature in individuals affected with WNK1-related conditions. This variant is present in population databases (rs753640143, gnomAD 0.0009%). This sequence change replaces alanine, which is neutral and non-polar, with valine, which is neutral and non-polar, at codon 2596 of the WNK1 protein (p.Ala2596Val).

NM_018979.4(WNK1):c.7031C>T (p.Ala2344Val)

Gene: WNK1 (WNK lysine deficient protein kinase 1; plus strand). Cytogenetic location: 12p13.33.
Variant type: single nucleotide variant.
Coding change: c.7031C>T on transcript NM_018979.4 (MANE Select); coding-DNA position 7031, C replaced by T.
Protein change: p.Ala2344Val; replaces alanine 2344 with valine.
Molecular consequence: missense variant.
Genome position (GRCh38, 1-based): chr12:908,674, C>T. VCF-style: chr12-908674-C-T. GRCh37 (hg19) VCF-style: chr12-1017840-C-T.
Other names: c.7811C>T, p.Ala2604Val (NM_001184985.2); c.6287C>T, p.Ala2096Val (NM_014823.3); c.7787C>T, p.Ala2596Val (NM_213655.5); short protein forms A2596V, A2096V, A2344V, A2604V.
Identifiers: ClinVar variation 2952840 (VCV002952840.3), dbSNP rs753640143, ClinGen allele CA6383552.
Genomic context (GRCh38, chr12:908,674, plus strand): 5'-AGCAGTATGGCTTTCCAGCTACCCCATTTGGCGCTCAATGGAGTGGGACGGGTGGCCCAG[C>T]ACCACAGCCACTTGGCCAGTTCCAACCTGTGGGAACTGCCTCCTTGCAGAATTTCAACAT-3'
Protein context (NP_061852.3, residues 2334-2354): GAQWSGTGGP[Ala2344Val]PQPLGQFQPV